The following is an entry in ClinVar:

ClinVar aggregate classification (germline): Uncertain significance (1 of 4 stars; one submission).

Allele frequency attached by ClinVar (database versions not stated): gnomAD exomes 0.00001.

Submission:

Labcorp Genetics (formerly Invitae), Labcorp
Classification: Uncertain significance. Last evaluated: 2024-09-16. Review status: criteria provided, single submitter. Criteria: Invitae Variant Classification Sherloc (09022015). Collection method: clinical testing. Allele origin: germline.
Comment: This sequence change replaces alanine, which is neutral and non-polar, with valine, which is neutral and non-polar, at codon 276 of the COL18A1 protein (p.Ala276Val). This variant is present in population databases (rs771472612, gnomAD 0.01%). This variant has not been reported in the literature in individuals affected with COL18A1-related conditions. ClinVar contains an entry for this variant (Variation ID: 2050834). Experimental studies and prediction algorithms are not available or were not evaluated, and the functional significance of this variant is currently unknown. In summary, the available evidence is currently insufficient to determine the role of this variant in disease. Therefore, it has been classified as a Variant of Uncertain Significance.

NM_001379500.1(COL18A1):c.827C>T (p.Ala276Val)

Gene: COL18A1 (collagen type XVIII alpha 1 chain; plus strand). Cytogenetic location: 21q22.3.
Variant type: single nucleotide variant.
Coding change: c.827C>T on transcript NM_001379500.1 (MANE Select); coding-DNA position 827, C replaced by T.
Protein change: p.Ala276Val; replaces alanine 276 with valine.
Molecular consequence: missense variant.
Genome position (GRCh38, 1-based): chr21:45,476,379, C>T. VCF-style: chr21-45476379-C-T. GRCh37 (hg19) VCF-style: chr21-46896293-C-T.
Other names: c.1367C>T, p.Ala456Val (NM_030582.4); c.2072C>T, p.Ala691Val (NM_130444.3); short protein forms A691V, A276V, A456V.
Identifiers: ClinVar variation 2050834 (VCV002050834.4), dbSNP rs771472612, ClinGen allele CA321913610.
Genomic context (GRCh38, chr21:45,476,379, plus strand): 5'-AATAACAGGCCACCTCCCCTCTCGTCCTCCAGGGCGCGGCCCTAAAACCCAGGCTCCCCG[C>T]GCCACCCCCCGTCACCACGCCACCCTTGGCTGGAGGCAGCAGCACGGAAGATTCCAGAAG-3'
Protein context (NP_001366429.1, residues 266-286): TGAALKPRLP[Ala276Val]PPPVTTPPLA